The following is an entry in ClinVar:

ClinVar aggregate classification (germline): Pathogenic (1 of 4 stars; one submission).

Conditions:
Hereditary breast ovarian cancer syndrome. Also called: Hereditary breast and ovarian cancer; Hereditary breast and/or ovarian cancer syndrome; Breast and ovarian cancer; BRCA1- and BRCA2-Associated Hereditary Breast and Ovarian Cancer; Hereditary breast and ovarian cancer syndrome; Hereditary breast and ovarian cancer syndrome (HBOC). Identifiers: Orphanet 145, MedGen C0677776, MeSH D061325, MONDO:0003582. Disease mechanism: loss of function.

Submission:

Labcorp Genetics (formerly Invitae), Labcorp
Classification: Pathogenic for Hereditary breast ovarian cancer syndrome. Last evaluated: 2018-10-10. Review status: criteria provided, single submitter. Criteria: Invitae Variant Classification Sherloc (09022015). Collection method: clinical testing. Allele origin: germline.
Comment: This sequence change creates a premature translational stop signal (p.Val1145Phefs*10) in the BRCA1 gene. It is expected to result in an absent or disrupted protein product. This variant is not present in population databases (ExAC no frequency). This variant has been observed in individuals with a personal and/or family history of breast and/or ovarian cancer (PMID: 26848529). Loss-of-function variants in BRCA1 are known to be pathogenic (PMID: 20104584). For these reasons, this variant has been classified as Pathogenic.

Literature cited by the submitters: PubMed 26848529; PubMed 20104584.

NM_007294.4(BRCA1):c.3433del (p.Val1145fs)

Genes: BRCA1 (BRCA1 DNA repair associated; minus strand), LOC126862571 (BRD4-independent group 4 enhancer GRCh37_chr17:41243136-41244335; plus strand). Cytogenetic location: 17q21.31.
Variant type: Deletion.
Coding change: c.3433del on transcript NM_007294.4 (MANE Select); coding-DNA position 3433, one base deleted (G; older notation c.3433delG).
Protein change: p.Val1145fs; shifts the reading frame from valine 1145.
Molecular consequence: frameshift variant. On other transcripts: intron variant (135).
Genome position (GRCh38, 1-based): chr17:43,092,098, C deleted on the plus strand (G on the coding strand, the reverse complement: BRCA1 is on the minus strand); the first of 2 consecutive C bases (chr17:43,092,098-43,092,099); deleting either gives the same sequence. VCF-style (leftmost placement, unchanged base first): chr17-43092097-AC-A. GRCh37 (hg19) VCF-style: chr17-41244114-AC-A.
Other names: c.3310del, p.Val1104fs (NM_001407674.1, NM_001407675.1, NM_001407676.1 and 19 more transcripts); c.3433del, p.Val1145fs (NM_001407684.1, NM_001407581.1, NM_001407582.1 and 30 more transcripts); c.3307del, p.Val1103fs (NM_001407685.1, NM_001407690.1, NM_001407691.1 and 11 more transcripts); c.3292del, p.Val1098fs (NM_001407696.1, NM_001407697.1, NM_001407698.1 and 29 more transcripts); c.3433delG (NM_007294.3); c.3220del, p.Val1074fs (NM_001407571.1, NM_001407853.1, NM_001407894.1 and 9 more transcripts); c.3430del, p.Val1144fs (NM_001407587.1, NM_001407590.1, NM_001407591.1 and 22 more transcripts); c.3424del, p.Val1142fs (NM_001407646.1, NM_001407647.1); and 42 more; short protein forms V1098fs, V1145fs, V1033fs, V277fs, V1074fs, V1075fs, V1097fs, V1103fs.
Identifiers: ClinVar variation 655970 (VCV000655970.10), dbSNP rs1567791626, ClinGen allele CA915950127.